The following is an entry in ClinVar:

NM_006531.5(IFT88):c.889C>A (p.His297Asn)

Gene: IFT88 (intraflagellar transport 88; plus strand). Cytogenetic location: 13q12.11.
Variant type: single nucleotide variant.
Coding change: c.889C>A on transcript NM_006531.5 (MANE Select); coding-DNA position 889, C replaced by A.
Protein change: p.His297Asn; replaces histidine 297 with asparagine.
Molecular consequence: missense variant. On other transcripts: intron variant (7), non-coding transcript variant (5).
Genome position (GRCh38, 1-based): chr13:20,601,781, C>A. VCF-style: chr13-20601781-C-A. GRCh37 (hg19) VCF-style: chr13-21175920-C-A.
Other names: c.832C>A, p.His278Asn (NM_001318491.2, NM_001353573.2, NM_001353575.2); c.916C>A, p.His306Asn (NM_001318493.2, NM_001353565.2, NM_001353566.2 and 2 more transcripts); c.889C>A, p.His297Asn (NM_001353568.2, NM_001353572.2); c.856+33C>A (NM_001353578.2, NM_001353571.2); c.799+33C>A (NM_001353574.2); c.256C>A, p.His86Asn (NM_001353579.2); c.883+33C>A (NM_001353570.2, NM_001353576.2, NM_001353577.2 and 1 more transcripts); short protein forms H297N, H306N, H86N, H278N.
Identifiers: ClinVar variation 2086502 (VCV002086502.4), dbSNP rs2548163134, ClinGen allele CA387474636.

ClinVar aggregate classification (germline): Uncertain significance (1 of 4 stars; one submission).

Allele frequency attached by ClinVar (database versions not stated): gnomAD exomes below 0.00001.
gnomAD v4.1: 1 of 1,613,100 alleles (0.000062%); highest among the groups gnomAD compares: East Asian, 0.0022%; no homozygotes.

Submission:

Labcorp Genetics (formerly Invitae), Labcorp
Classification: Uncertain significance. Last evaluated: 2022-05-12. Review status: criteria provided, single submitter. Criteria: Invitae Variant Classification Sherloc (09022015). Collection method: clinical testing. Allele origin: germline.
Comment: In summary, the available evidence is currently insufficient to determine the role of this variant in disease. Therefore, it has been classified as a Variant of Uncertain Significance. Algorithms developed to predict the effect of missense changes on protein structure and function are either unavailable or do not agree on the potential impact of this missense change (SIFT: "Not Available"; PolyPhen-2: "Benign"; Align-GVGD: "Not Available"). This variant has not been reported in the literature in individuals affected with IFT88-related conditions. This variant is not present in population databases (gnomAD no frequency). This sequence change replaces histidine, which is basic and polar, with asparagine, which is neutral and polar, at codon 306 of the IFT88 protein (p.His306Asn).